The following is an entry in ClinVar:

NM_031935.3(HMCN1):c.9302C>A (p.Thr3101Lys)

Gene: HMCN1 (hemicentin 1; plus strand). Cytogenetic location: 1q31.1.
Variant type: single nucleotide variant.
Coding change: c.9302C>A on transcript NM_031935.3 (MANE Select); coding-DNA position 9302, C replaced by A.
Protein change: p.Thr3101Lys; replaces threonine 3101 with lysine.
Molecular consequence: missense variant.
Genome position (GRCh38, 1-based): chr1:186,087,584, C>A. VCF-style: chr1-186087584-C-A. GRCh37 (hg19) VCF-style: chr1-186056716-C-A.
Other names: short protein forms T3101K.
Identifiers: ClinVar variation 1959482 (VCV001959482.5), dbSNP rs1257117895, ClinGen allele CA343920111.

ClinVar aggregate classification (germline): Uncertain significance (1 of 4 stars; one submission).

Allele frequency attached by ClinVar (database versions not stated): gnomAD exomes 0.00001.
gnomAD v4.1: 8 of 1,613,262 alleles (0.0005%); highest among the groups gnomAD compares: South Asian, 0.0088%; no homozygotes.

Submission:

Labcorp Genetics (formerly Invitae), Labcorp
Classification: Uncertain significance. Last evaluated: 2022-09-17. Review status: criteria provided, single submitter. Criteria: Invitae Variant Classification Sherloc (09022015). Collection method: clinical testing. Allele origin: germline.
Comment: In summary, the available evidence is currently insufficient to determine the role of this variant in disease. Therefore, it has been classified as a Variant of Uncertain Significance. Algorithms developed to predict the effect of missense changes on protein structure and function are either unavailable or do not agree on the potential impact of this missense change (SIFT: "Tolerated"; PolyPhen-2: "Probably Damaging"; Align-GVGD: "Class C0"). This variant has not been reported in the literature in individuals affected with HMCN1-related conditions. This variant is present in population databases (no rsID available, gnomAD 0.006%). This sequence change replaces threonine, which is neutral and polar, with lysine, which is basic and polar, at codon 3101 of the HMCN1 protein (p.Thr3101Lys).